The following is an entry in ClinVar:

NM_004385.5(VCAN):c.5045T>C (p.Phe1682Ser)

Genes: VCAN (versican; plus strand), VCAN-AS1 (VCAN antisense RNA 1; minus strand). Cytogenetic location: 5q14.3.
Variant type: single nucleotide variant.
Coding change: c.5045T>C on transcript NM_004385.5 (MANE Select); coding-DNA position 5045, T replaced by C.
Protein change: p.Phe1682Ser; replaces phenylalanine 1682 with serine.
Molecular consequence: missense variant. On other transcripts: intron variant (2).
Genome position (GRCh38, 1-based): chr5:83,538,048, T>C. VCF-style: chr5-83538048-T-C. GRCh37 (hg19) VCF-style: chr5-82833867-T-C.
Other names: c.2084T>C, p.Phe695Ser (NM_001164097.2); c.4004-7489T>C (NM_001164098.2); c.1043-7489T>C (NM_001126336.3); short protein forms F695S, F1682S.
Identifiers: ClinVar variation 3677056 (VCV003677056.2).

ClinVar aggregate classification (germline): Uncertain significance (1 of 4 stars; one submission).

Submission:

Labcorp Genetics (formerly Invitae), Labcorp
Classification: Uncertain significance. Last evaluated: 2024-07-30. Review status: criteria provided, single submitter. Criteria: Invitae Variant Classification Sherloc (09022015). Collection method: clinical testing. Allele origin: germline.
Comment: This sequence change replaces phenylalanine, which is neutral and non-polar, with serine, which is neutral and polar, at codon 1682 of the VCAN protein (p.Phe1682Ser). This variant is not present in population databases (gnomAD no frequency). This variant has not been reported in the literature in individuals affected with VCAN-related conditions. An algorithm developed to predict the effect of missense changes on protein structure and function outputs the following: PolyPhen-2: "Benign". The serine amino acid residue is found in multiple mammalian species, which suggests that this missense change does not adversely affect protein function. In summary, the available evidence is currently insufficient to determine the role of this variant in disease. Therefore, it has been classified as a Variant of Uncertain Significance.